The following is an entry in ClinVar:

NM_000393.5(COL5A2):c.2057C>T (p.Pro686Leu)

Gene: COL5A2 (collagen type V alpha 2 chain; minus strand). Cytogenetic location: 2q32.2.
Variant type: single nucleotide variant.
Coding change: c.2057C>T on transcript NM_000393.5 (MANE Select); coding-DNA position 2057, C replaced by T.
Protein change: p.Pro686Leu; replaces proline 686 with leucine.
Molecular consequence: missense variant.
Genome position (GRCh38, 1-based): chr2:189,060,758, G>A on the plus strand (C>T on the coding strand, the complement: COL5A2 is on the minus strand). VCF-style: chr2-189060758-G-A. GRCh37 (hg19) VCF-style: chr2-189925484-G-A.
Other names: short protein forms P686L.
Identifiers: ClinVar variation 4745286 (VCV004745286.1).

ClinVar aggregate classification (germline): Uncertain significance (1 of 4 stars; one submission).

Conditions:
Ehlers-Danlos syndrome, classic type, 1 (EDSCL1). Also called: EHLERS-DANLOS SYNDROME, GRAVIS TYPE; EHLERS-DANLOS SYNDROME, SEVERE CLASSIC TYPE; Ehlers-Danlos syndrome, type 1; Ehlers-Danlos Syndrome, Classic Type, COL5A1-Related; EDS I. Identifiers: MedGen C0268335, MONDO:0019567, OMIM 130000.

gnomAD v4.1: 1 of 1,613,588 alleles (0.000062%); highest among the groups gnomAD compares: East Asian, 0.0022%; no homozygotes.

Submission:

Labcorp Genetics (formerly Invitae), Labcorp
Classification: Uncertain significance for Ehlers-Danlos syndrome, classic type, 1. Last evaluated: 2025-07-03. Review status: criteria provided, single submitter. Criteria: Invitae Variant Classification Sherloc (09022015). Collection method: clinical testing. Allele origin: germline.
Comment: This sequence change replaces proline, which is neutral and non-polar, with leucine, which is neutral and non-polar, at codon 686 of the COL5A2 protein (p.Pro686Leu). This variant is not present in population databases (gnomAD no frequency). This variant has not been reported in the literature in individuals affected with COL5A2-related conditions. Invitae Evidence Modeling of protein sequence and biophysical properties (such as structural, functional, and spatial information, amino acid conservation, physicochemical variation, residue mobility, and thermodynamic stability) indicates that this missense variant is not expected to disrupt COL5A2 protein function with a negative predictive value of 80%. In summary, the available evidence is currently insufficient to determine the role of this variant in disease. Therefore, it has been classified as a Variant of Uncertain Significance.